The following is an entry in ClinVar:

ClinVar aggregate classification (germline): Pathogenic (1 of 4 stars; one submission).

gnomAD v4.1: 18 of 1,613,680 alleles (0.0011%); highest among the groups gnomAD compares: East Asian, 0.0089%; no homozygotes.

Submission:

CeGaT Center for Human Genetics Tuebingen
Classification: Pathogenic. Last evaluated: 2025-06-01. Review status: criteria provided, single submitter. Criteria: CeGaT Center For Human Genetics Tuebingen Variant Classification Criteria Version 2. Collection method: clinical testing. Allele origin: germline. Affected: yes. Observed: 1 variant allele.
Comment: TGM1: PVS1, PM2, PM3:Supporting, BP7

NM_000359.3(TGM1):c.2088G>A (p.Thr696=)

Gene: TGM1 (transglutaminase 1; minus strand). Cytogenetic location: 14q12.
Variant type: single nucleotide variant.
Coding change: c.2088G>A on transcript NM_000359.3 (MANE Select); coding-DNA position 2088, G replaced by A.
Protein change: p.Thr696=; no amino-acid change (threonine 696 retained).
Molecular consequence: synonymous variant.
Genome position (GRCh38, 1-based): chr14:24,254,664, C>T on the plus strand (G>A on the coding strand, the complement: TGM1 is on the minus strand). VCF-style: chr14-24254664-C-T. GRCh37 (hg19) VCF-style: chr14-24723870-C-T.
Identifiers: ClinVar variation 3906035 (VCV003906035.11).